The following is an entry in ClinVar:

NM_002437.5(MPV17):c.196G>T (p.Val66Leu)

Gene: MPV17 (mitochondrial inner membrane protein MPV17; minus strand). Cytogenetic location: 2p23.3.
Variant type: single nucleotide variant.
Coding change: c.196G>T on transcript NM_002437.5 (MANE Select); coding-DNA position 196, G replaced by T.
Protein change: p.Val66Leu; replaces valine 66 with leucine.
Molecular consequence: missense variant.
Genome position (GRCh38, 1-based): chr2:27,312,763, C>A on the plus strand (G>T on the coding strand, the complement: MPV17 is on the minus strand). VCF-style: chr2-27312763-C-A. GRCh37 (hg19) VCF-style: chr2-27535630-C-A.
Other names: p.V66L:GTA>TTA; short protein forms V66L.
Identifiers: ClinVar variation 214663 (VCV000214663.4), dbSNP rs863224073, ClinGen allele CA324678.
Genomic context (GRCh38, chr2:27,312,763, plus strand): 5'-GTGCATCCACTTTGGTGGTGCCAGGGATGAACCGATCCAAAACCTTGTACCAGCCTCCTA[C>A]CACAGGGCCCTGGAAGTAAACCCCAGATAGCAGCAGGCTGCAGTGAGGGAGCCCTAGGCC-3'
Protein context (NP_002428.1, residues 56-76): SLGCGFVGPV[Val66Leu]GGWYKVLDRF

ClinVar aggregate classification (germline): Uncertain significance. Review status: criteria provided, single submitter (1 of 4 stars). 2 submissions from 2 submitters: Uncertain significance (1). 1 of the submissions does not count toward it. Last evaluated 2015-02-13.

Conditions:
Mitochondrial DNA depletion syndrome 15 (hepatocerebral type) (MTDPS15). Also called: Hepatocerebral Mitochondrial DNA Depletion Syndrome. Identifiers: MedGen C4310690, MONDO:0014943, OMIM 617156.

Allele frequency attached by ClinVar (database versions not stated): gnomAD 0.00001.
gnomAD v4.1: 1 of 1,613,994 alleles (0.000062%); highest among the groups gnomAD compares: African/African-American, 0.0013%; no homozygotes.

Submissions (2):

GeneDx
Classification: Uncertain significance. Last evaluated: 2015-02-13. Review status: criteria provided, single submitter. Criteria: GeneDx Variant Classification (06012015). Collection method: clinical testing. Allele origin: germline. Affected: yes.
Comment: p.Val66Leu (GTA>TTA): c.196 G>T in exon 4 of the MPV17 gene (NM_002437.4) The V66L variant of unknown significance identified in the MPV17 gene has not been published as a mutation, nor has it been reported as a benign polymorphism to our knowledge. The V66L variant is a conservative amino acid substitution, which is not likely to impact secondary protein structure as these residues share similar properties. This substitution occurs at a position that is moderately conserved across species. In silico analysis is inconsistent in its predictions as to whether or not the variant is damaging to the protein structure/function. A missense mutation in a nearby residue (P64R) has been reported in association with mitochondrial DNA depletion syndrome supporting the functional importance of this region of the protein. Therefore, based on the currently available information, it is unclear whether this variant is a pathogenic mutation or a rare benign variant. The variant is found in MITONUC-MITOP panel(s).

Natera, Inc.
Classification: Uncertain significance for Mitochondrial DNA depletion syndrome, hepatocerebral form. Last evaluated: 2021-07-21. Review status: no assertion criteria provided. Collection method: clinical testing. Allele origin: germline. Not counted in ClinVar's aggregate classification.